The following is an entry in ClinVar:

ClinVar aggregate classification (germline): Conflicting classifications of pathogenicity. Review status: criteria provided, conflicting classifications (1 of 4 stars). 6 submissions from 6 submitters: Uncertain significance (1); Likely benign (3). 2 of the submissions do not count toward it. Last evaluated 2025-08-14.

Conditions:
Cardiovascular phenotype. Identifiers: MedGen CN230736.
CYP27A1-related disorder. Also called: CYP27A1-related condition.
Cholestanol storage disease (CTX). Also called: Cerebrotendinous Xanthomatosis; CEREBRAL CHOLESTERINOSIS; CTX: Cerebrotendinous xanthomatosis. Identifiers: Orphanet 909, MedGen C0238052, MONDO:0008948, OMIM 213700.

Allele frequency attached by ClinVar (database versions not stated): gnomAD exomes 0.00002 and 0.00008; ExAC 0.00012; gnomAD 0.00034; ESP Exome Variant Server 0.00038; 1000 Genomes Project 0.00040; TOPMed 0.00052; 1000 Genomes Project 30x 0.00062.
gnomAD v4.1: 87 of 1,614,212 alleles (0.0054%); highest among the groups gnomAD compares: African/African-American, 0.11%; no homozygotes.

Submissions (6):

Labcorp Genetics (formerly Invitae), Labcorp
Classification: Likely benign for Cholestanol storage disease. Last evaluated: 2025-08-14. Review status: criteria provided, single submitter. Criteria: Invitae Variant Classification Sherloc (09022015). Collection method: clinical testing. Allele origin: germline.

Blueprint Genetics
Classification: Likely benign. Last evaluated: 2024-07-09. Review status: criteria provided, single submitter. Criteria: ACMG Guidelines, 2015. Collection method: clinical testing. Allele origin: germline.

Ambry Genetics
Classification: Likely benign for Cardiovascular phenotype. Last evaluated: 2022-04-19. Review status: criteria provided, single submitter. Criteria: Ambry Variant Classification Scheme 2023. Collection method: clinical testing. Allele origin: germline.

Eurofins Ntd Llc (ga)
Classification: Uncertain significance. Last evaluated: 2017-04-11. Review status: criteria provided, single submitter. Criteria: EGL Classification Definitions 2015. Collection method: clinical testing. Allele origin: germline. Observed: 4 variant alleles, 4 heterozygotes.

PreventionGenetics, part of Exact Sciences
Classification: Likely benign for CYP27A1-related condition. Last evaluated: 2022-07-12. Review status: no assertion criteria provided. Collection method: clinical testing. Allele origin: germline. Not counted in ClinVar's aggregate classification.
Comment: This variant is classified as likely benign based on ACMG/AMP sequence variant interpretation guidelines (Richards et al. 2015 PMID: 25741868, with internal and published modifications).

Natera, Inc.
Classification: Likely benign for Cerebrotendinous xanthomatosis. Last evaluated: 2021-03-17. Review status: no assertion criteria provided. Collection method: clinical testing. Allele origin: germline. Not counted in ClinVar's aggregate classification.

NM_000784.4(CYP27A1):c.891G>T (p.Leu297=)

Gene: CYP27A1 (cytochrome P450 family 27 subfamily A member 1; plus strand). Cytogenetic location: 2q35.
Variant type: single nucleotide variant.
Coding change: c.891G>T on transcript NM_000784.4 (MANE Select); coding-DNA position 891, G replaced by T.
Protein change: p.Leu297=; no amino-acid change (leucine 297 retained).
Molecular consequence: synonymous variant.
Genome position (GRCh38, 1-based): chr2:218,812,970, G>T. VCF-style: chr2-218812970-G-T. GRCh37 (hg19) VCF-style: chr2-219677693-G-T.
Identifiers: ClinVar variation 197696 (VCV000197696.23), dbSNP rs144455258, ClinGen allele CA245977.